The following is an entry in ClinVar:

NM_014491.4(FOXP2):c.*515A>T

Gene: FOXP2 (forkhead box P2; plus strand). Cytogenetic location: 7q31.1.
Variant type: single nucleotide variant.
Coding change: c.*515A>T on transcript NM_014491.4 (MANE Select); 515 bases downstream of the stop codon, A replaced by T.
Molecular consequence: 3 prime UTR variant. On other transcripts: non-coding transcript variant (2).
Genome position (GRCh38, 1-based): chr7:114,690,441, A>T. VCF-style: chr7-114690441-A-T. GRCh37 (hg19) VCF-style: chr7-114330496-A-T.
Other names: c.*515A>T (NM_001172766.3, NM_148898.4, NM_148900.4).
Identifiers: ClinVar variation 358631 (VCV000358631.5), dbSNP rs150361315, ClinGen allele CA4446382.
Genomic context (GRCh38, chr7:114,690,441, plus strand): 5'-AAGTTCAACTTGTTGCTATTGTTTTTAATTTGCACAGGAGTAGTATCAGAAATTAGTGTC[A>T]CTGCTTGTATCTAGCTGAATTTTAAACAACAGAACATTAGTTTTTTATGTTGGTGCCACC-3'

ClinVar aggregate classification (germline): Benign (1 of 4 stars; one submission).

Conditions:
Childhood apraxia of speech (SPCH1). Also called: DEVELOPMENTAL VERBAL DYSPRAXIA; Speech language disorder; FOXP2-Related Speech and Language Disorder; SPEECH AND LANGUAGE DISORDER WITH OROFACIAL DYSPRAXIA. Identifiers: Orphanet 209908, MedGen C0750927, MONDO:0011184, OMIM 602081.

Allele frequency attached by ClinVar (database versions not stated): 1000 Genomes Project 30x 0.00016; 1000 Genomes Project 0.00020; gnomAD 0.00031 and 0.00032; TOPMed 0.00031; gnomAD exomes 0.00043 and 0.00068; ExAC 0.00158.
gnomAD v4.1: 180 of 453,822 alleles (0.04%); highest among the groups gnomAD compares: Middle Eastern, 0.14%; no homozygotes.

Submission:

Illumina Laboratory Services, Illumina
Classification: Benign for Childhood apraxia of speech. Last evaluated: 2018-01-13. Review status: criteria provided, single submitter. Criteria: ICSL Variant Classification Criteria 13 December 2019. Collection method: clinical testing. Allele origin: germline.
Comment: This variant was observed in the ICSL laboratory as part of a predisposition screen in an ostensibly healthy population. It had not been previously curated by ICSL or reported in the Human Gene Mutation Database (HGMD: prior to June 1st, 2018), and was therefore a candidate for classification through an automated scoring system. Utilizing variant allele frequency, disease prevalence and penetrance estimates, and inheritance mode, an automated score was calculated to assess if this variant is too frequent to cause the disease. Based on the score and internal cut-off values, a variant classified as benign is not then subjected to further curation. The score for this variant resulted in a classification of benign for this disease.